The following is an entry in ClinVar:

NM_004813.4(PEX16):c.812G>A (p.Arg271Gln)

Gene: PEX16 (peroxisomal biogenesis factor 16; minus strand). Cytogenetic location: 11p11.2.
Variant type: single nucleotide variant.
Coding change: c.812G>A on transcript NM_004813.4 (MANE Select); coding-DNA position 812, G replaced by A.
Protein change: p.Arg271Gln; replaces arginine 271 with glutamine.
Molecular consequence: missense variant.
Genome position (GRCh38, 1-based): chr11:45,913,894, C>T on the plus strand (G>A on the coding strand, the complement: PEX16 is on the minus strand). VCF-style: chr11-45913894-C-T. GRCh37 (hg19) VCF-style: chr11-45935445-C-T.
Other names: c.812G>A, p.Arg271Gln (NM_057174.3); short protein forms R271Q.
Identifiers: ClinVar variation 596919 (VCV000596919.15), dbSNP rs769838583, ClinGen allele CA5959815.

ClinVar aggregate classification (germline): Uncertain significance. Review status: criteria provided, multiple submitters, no conflicts (2 of 4 stars). 4 submissions from 4 submitters: Uncertain significance (4). Last evaluated 2024-11-24.

Conditions:
Inborn genetic diseases. Identifiers: MedGen C0950123, MeSH D030342.
Peroxisome biogenesis disorder 8A (Zellweger). Also called: Peroxisome biogenesis disorder 8A. Identifiers: Orphanet 912, MedGen C3553959, MONDO:0013942, OMIM 614876.
Peroxisome biogenesis disorder. Identifiers: Orphanet 79189, MedGen C1832200, MONDO:0019234. Disease mechanism: loss of function.

Allele frequency attached by ClinVar (database versions not stated): gnomAD 0.00001; TOPMed 0.00001; gnomAD exomes 0.00002; ExAC 0.00003.
gnomAD v4.1: 17 of 1,613,344 alleles (0.0011%); highest among the groups gnomAD compares: Admixed American, 0.0067%; no homozygotes.

Submissions (4):

Ambry Genetics
Classification: Uncertain significance for Inborn genetic diseases. Last evaluated: 2024-11-24. Review status: criteria provided, single submitter. Criteria: Ambry Variant Classification Scheme 2023. Collection method: clinical testing. Allele origin: germline.

Labcorp Genetics (formerly Invitae), Labcorp
Classification: Uncertain significance for Peroxisome biogenesis disorder. Last evaluated: 2022-07-19. Review status: criteria provided, single submitter. Criteria: Invitae Variant Classification Sherloc (09022015). Collection method: clinical testing. Allele origin: germline.
Comment: This sequence change replaces arginine, which is basic and polar, with glutamine, which is neutral and polar, at codon 271 of the PEX16 protein (p.Arg271Gln). This variant is present in population databases (rs769838583, gnomAD 0.004%). This variant has not been reported in the literature in individuals affected with PEX16-related conditions. ClinVar contains an entry for this variant (Variation ID: 596919). Algorithms developed to predict the effect of missense changes on protein structure and function output the following: SIFT: "Deleterious"; PolyPhen-2: "Benign"; Align-GVGD: "Class C0". The glutamine amino acid residue is found in multiple mammalian species, which suggests that this missense change does not adversely affect protein function. In summary, the available evidence is currently insufficient to determine the role of this variant in disease. Therefore, it has been classified as a Variant of Uncertain Significance.

Eurofins Ntd Llc (ga)
Classification: Uncertain significance. Last evaluated: 2018-04-19. Review status: criteria provided, single submitter. Criteria: EGL ClinVar v180209 classification definitions. Collection method: clinical testing. Allele origin: germline. Observed: 1 variant allele, 1 heterozygote.

Illumina Laboratory Services, Illumina
Classification: Uncertain significance for Peroxisome biogenesis disorder 8A (Zellweger). Last evaluated: 2018-01-13. Review status: criteria provided, single submitter. Criteria: ICSL Variant Classification Criteria 13 December 2019. Collection method: clinical testing. Allele origin: germline.